The following is an entry in ClinVar:

NM_014975.3(MAST1):c.2003C>T (p.Ser668Leu)

Gene: MAST1 (microtubule associated serine/threonine kinase 1; plus strand). Cytogenetic location: 19p13.13.
Variant type: single nucleotide variant.
Coding change: c.2003C>T on transcript NM_014975.3 (MANE Select); coding-DNA position 2003, C replaced by T.
Protein change: p.Ser668Leu; replaces serine 668 with leucine.
Molecular consequence: missense variant.
Genome position (GRCh38, 1-based): chr19:12,866,076, C>T. VCF-style: chr19-12866076-C-T. GRCh37 (hg19) VCF-style: chr19-12976890-C-T.
Other names: short protein forms S668L.
Identifiers: ClinVar variation 1695598 (VCV001695598.2), dbSNP rs2145907922, ClinGen allele CA404274863.

ClinVar aggregate classification (germline): Uncertain significance (1 of 4 stars; one submission).

Allele frequency attached by ClinVar (database versions not stated): gnomAD exomes below 0.00001.
gnomAD v4.1: 1 of 1,614,068 alleles (0.000062%); highest among the groups gnomAD compares: Non-Finnish European, 0.000085%; no homozygotes.

Submission:

GeneDx
Classification: Uncertain significance. Last evaluated: 2022-01-05. Review status: criteria provided, single submitter. Criteria: GeneDx Variant Classification Process June 2021. Collection method: clinical testing. Allele origin: germline. Affected: yes.
Comment: Not observed at significant frequency in large population cohorts (gnomAD); In silico analysis supports that this missense variant has a deleterious effect on protein structure/function; Has not been previously published as pathogenic or benign to our knowledge